The following is an entry in ClinVar:

ClinVar aggregate classification (germline): Conflicting classifications of pathogenicity. Review status: criteria provided, conflicting classifications (1 of 4 stars). 12 submissions from 11 submitters: Uncertain significance (2); Benign (1); Likely benign (8). 1 of the submissions does not count toward it. Last evaluated 2026-01-24.

Conditions:
Cardiomyopathy (CMYO). Also called: Cardiomyopathies. Identifiers: Orphanet 167848, MedGen C0878544, MONDO:0004994, HP:0001638. Inheritance: Various modes of inheritance.
Arrhythmogenic right ventricular dysplasia 2. Identifiers: MedGen C1832931.
RYR2-related disorder. Also called: RYR2-related condition.
Catecholaminergic polymorphic ventricular tachycardia (CVPT). Also called: Catecholamine-induced polymorphic ventricular tachycardia. Identifiers: Orphanet 3286, MedGen C5574922, MONDO:0017990.
Cardiovascular phenotype. Identifiers: MedGen CN230736.
Catecholaminergic polymorphic ventricular tachycardia 1. Also called: VENTRICULAR TACHYCARDIA, STRESS-INDUCED POLYMORPHIC 1; VENTRICULAR TACHYCARDIA, CATECHOLAMINERGIC POLYMORPHIC, 1, WITH OR WITHOUT ATRIAL DYSFUNCTION AND/OR DILATED CARDIOMYOPATHY; RYR2-Related Catecholaminergic Polymorphic Ventricular Tachycardia. Identifiers: Orphanet 3286, MedGen C1631597, MONDO:0011484, OMIM 604772.

gnomAD v4.1: 96 of 1,609,364 alleles (0.006%); highest among the groups gnomAD compares: African/African-American, 0.021%; no homozygotes.

Submissions (12):

Labcorp Genetics (formerly Invitae), Labcorp
Classification: Likely benign for Catecholaminergic polymorphic ventricular tachycardia 1. Last evaluated: 2026-01-24. Review status: criteria provided, single submitter. Criteria: Invitae Variant Classification Sherloc (09022015). Collection method: clinical testing. Allele origin: germline.

All of Us Research Program, National Institutes of Health
Classification: Likely benign for Catecholaminergic polymorphic ventricular tachycardia. Last evaluated: 2024-01-11. Review status: criteria provided, single submitter. Criteria: ACMG Guidelines, 2015. Collection method: clinical testing. Allele origin: germline. Inheritance: Autosomal dominant inheritance. Observed: 32 variant alleles, 32 heterozygotes.
Comment: This study involves interpretation of variants in research participants for the purpose of population health screening. Participant phenotype was not available at the time of variant classification. Additional details can be found in publication PMID: 35346344, PMCID: PMC8962531

Blueprint Genetics
Classification: Likely benign. Last evaluated: 2023-05-02. Review status: criteria provided, single submitter. Criteria: ACMG Guidelines, 2015. Collection method: clinical testing. Allele origin: germline.

CeGaT Center for Human Genetics Tuebingen
Classification: Likely benign. Last evaluated: 2023-01-01. Review status: criteria provided, single submitter. Criteria: CeGaT Center For Human Genetics Tuebingen Variant Classification Criteria Version 2. Collection method: clinical testing. Allele origin: germline. Affected: yes. Observed: 1 variant allele.
Comment: RYR2: BP4, BP7

ARUP Laboratories, Molecular Genetics and Genomics, ARUP Laboratories
Classification: Likely benign. Last evaluated: 2019-10-31. Review status: criteria provided, single submitter. Criteria: ARUP Molecular Germline Variant Investigation Process. Collection method: clinical testing. Allele origin: germline.

Women's Health and Genetics/Laboratory Corporation of America, LabCorp
Classification: Benign. Last evaluated: 2019-08-16. Review status: criteria provided, single submitter. Criteria: LabCorp Variant Classification Summary - May 2015. Collection method: clinical testing. Allele origin: germline.

GeneDx
Classification: Likely benign. Last evaluated: 2019-07-01. Review status: criteria provided, single submitter. Criteria: GeneDx Variant Classification Process June 2021. Collection method: clinical testing. Allele origin: germline. Affected: yes.

Ambry Genetics
Classification: Likely benign for Cardiovascular phenotype. Last evaluated: 2019-01-04. Review status: criteria provided, single submitter. Criteria: Ambry Variant Classification Scheme 2023. Collection method: clinical testing. Allele origin: germline.

Color Diagnostics, LLC DBA Color Health
Classification: Likely benign for Cardiomyopathy. Last evaluated: 2018-11-27. Review status: criteria provided, single submitter. Criteria: ACMG Guidelines, 2015. Collection method: clinical testing. Allele origin: germline.

Illumina Laboratory Services, Illumina
Classification: Uncertain significance for Catecholaminergic polymorphic ventricular tachycardia 1. Last evaluated: 2018-01-12. Review status: criteria provided, single submitter. Criteria: ICSL Variant Classification Criteria 13 December 2019. Collection method: clinical testing. Allele origin: germline.

Illumina Laboratory Services, Illumina
Classification: Uncertain significance for Catecholaminergic polymorphic ventricular tachycardia 1. Last evaluated: 2018-01-12. Review status: criteria provided, single submitter. Criteria: ICSL Variant Classification Criteria 13 December 2019. Collection method: clinical testing. Allele origin: germline.

PreventionGenetics, part of Exact Sciences
Classification: Likely benign for RYR2-related condition. Last evaluated: 2023-09-19. Review status: no assertion criteria provided. Collection method: clinical testing. Allele origin: germline. Not counted in ClinVar's aggregate classification.
Comment: This variant is classified as likely benign based on ACMG/AMP sequence variant interpretation guidelines (Richards et al. 2015 PMID: 25741868, with internal and published modifications).

NM_001035.3(RYR2):c.9318T>A (p.Ser3106=)

Gene: RYR2 (ryanodine receptor 2; plus strand). Cytogenetic location: 1q43.
Variant type: single nucleotide variant.
Coding change: c.9318T>A on transcript NM_001035.3 (MANE Select); coding-DNA position 9318, T replaced by A.
Protein change: p.Ser3106=; no amino-acid change (serine 3106 retained).
Molecular consequence: synonymous variant.
Genome position (GRCh38, 1-based): chr1:237,700,418, T>A. VCF-style: chr1-237700418-T-A. GRCh37 (hg19) VCF-style: chr1-237863718-T-A.
Other names: c.9318T>A, p.Ser3106= (LRG_402t1).
Identifiers: ClinVar variation 379026 (VCV000379026.53), dbSNP rs2797436, ClinGen allele CA087858.